The following is an entry in ClinVar:

ClinVar aggregate classification (germline): Uncertain significance (1 of 4 stars; one submission).

Conditions:
DMXL2-related disorder. Also called: DMXL2-related condition.

Allele frequency attached by ClinVar (database versions not stated): gnomAD exomes below 0.00001.
gnomAD v4.1: 1 of 1,614,206 alleles (0.000062%); highest among the groups gnomAD compares: Non-Finnish European, 0.000085%; no homozygotes.

Submission:

PreventionGenetics, part of Exact Sciences
Classification: Uncertain significance for DMXL2-related condition. Last evaluated: 2023-04-10. Review status: criteria provided, single submitter. Criteria: ACMG Guidelines, 2015. Collection method: clinical testing. Allele origin: germline.
Comment: The DMXL2 c.4402T>G variant is predicted to result in the amino acid substitution p.Tyr1468Asp. To our knowledge, this variant has not been reported in the literature or in a large population database, indicating this variant is rare. At this time, the clinical significance of this variant is uncertain due to the absence of conclusive functional and genetic evidence.

NM_001378457.1(DMXL2):c.4402T>G (p.Tyr1468Asp)

Gene: DMXL2 (Dmx like 2; minus strand). Cytogenetic location: 15q21.2.
Variant type: single nucleotide variant.
Coding change: c.4402T>G on transcript NM_001378457.1 (MANE Select); coding-DNA position 4402, T replaced by G.
Protein change: p.Tyr1468Asp; replaces tyrosine 1468 with aspartic acid.
Molecular consequence: missense variant. On other transcripts: non-coding transcript variant (2), intron variant (2).
Genome position (GRCh38, 1-based): chr15:51,498,822, A>C on the plus strand (T>G on the coding strand, the complement: DMXL2 is on the minus strand). VCF-style: chr15-51498822-A-C. GRCh37 (hg19) VCF-style: chr15-51791019-A-C.
Other names: c.4402T>G, p.Tyr1468Asp (NM_001174116.3, NM_001378458.1, NM_001378459.1 and 4 more transcripts); c.4162T>G, p.Tyr1388Asp (NM_001378464.1); c.2765-7075T>G (NM_001378460.1); c.2765-3688T>G (NM_001174117.3); short protein forms Y1388D, Y1468D.
Identifiers: ClinVar variation 2629336 (VCV002629336.1), dbSNP rs1186142207, ClinGen allele CA392431995.